The following is an entry in ClinVar:

NM_001256789.3(CACNA1F):c.1492C>T (p.Arg498Cys)

Gene: CACNA1F (calcium voltage-gated channel subunit alpha1 F; minus strand). Cytogenetic location: Xp11.23.
Variant type: single nucleotide variant.
Coding change: c.1492C>T on transcript NM_001256789.3 (MANE Select); coding-DNA position 1492, C replaced by T.
Protein change: p.Arg498Cys; replaces arginine 498 with cysteine.
Molecular consequence: missense variant.
Genome position (GRCh38, 1-based): chrX:49,226,068, G>A on the plus strand (C>T on the coding strand, the complement: CACNA1F is on the minus strand). VCF-style: chrX-49226068-G-A. GRCh37 (hg19) VCF-style: chrX-49082530-G-A.
Other names: c.1525C>T (NM_005183.2); c.1330C>T, p.Arg444Cys (NM_001256790.3); c.1525C>T, p.Arg509Cys (NM_005183.4); short protein forms R509C, R498C, R444C.
Identifiers: ClinVar variation 1908765 (VCV001908765.6), dbSNP rs781843314, ClinGen allele CA10410843.

ClinVar aggregate classification (germline): Uncertain significance. Review status: criteria provided, multiple submitters, no conflicts (2 of 4 stars). 2 submissions from 2 submitters: Uncertain significance (2). Last evaluated 2025-07-15.

Conditions:
Inborn genetic diseases. Identifiers: MedGen C0950123, MeSH D030342.

Allele frequency attached by ClinVar (database versions not stated): gnomAD 0.00001; ExAC 0.00007.

Submissions (2):

Ambry Genetics
Classification: Uncertain significance for Inborn genetic diseases. Last evaluated: 2025-07-15. Review status: criteria provided, single submitter. Criteria: Ambry Variant Classification Scheme 2023. Collection method: clinical testing. Allele origin: germline.

Labcorp Genetics (formerly Invitae), Labcorp
Classification: Uncertain significance. Last evaluated: 2025-01-13. Review status: criteria provided, single submitter. Criteria: Invitae Variant Classification Sherloc (09022015). Collection method: clinical testing. Allele origin: germline.
Comment: This sequence change replaces arginine, which is basic and polar, with cysteine, which is neutral and slightly polar, at codon 509 of the CACNA1F protein (p.Arg509Cys). The frequency data for this variant in the population databases is considered unreliable, as metrics indicate poor data quality at this position in the gnomAD database. This variant has not been reported in the literature in individuals affected with CACNA1F-related conditions. ClinVar contains an entry for this variant (Variation ID: 1908765). An algorithm developed to predict the effect of missense changes on protein structure and function (PolyPhen-2) suggests that this variant is likely to be disruptive. In summary, the available evidence is currently insufficient to determine the role of this variant in disease. Therefore, it has been classified as a Variant of Uncertain Significance.